The following is an entry in ClinVar:

NM_014795.4(ZEB2):c.2750T>A (p.Ile917Asn)

Gene: ZEB2 (zinc finger E-box binding homeobox 2; minus strand). Cytogenetic location: 2q22.3.
Variant type: single nucleotide variant.
Coding change: c.2750T>A on transcript NM_014795.4 (MANE Select); coding-DNA position 2750, T replaced by A.
Protein change: p.Ile917Asn; replaces isoleucine 917 with asparagine.
Molecular consequence: missense variant.
Genome position (GRCh38, 1-based): chr2:144,398,437, A>T on the plus strand (T>A on the coding strand, the complement: ZEB2 is on the minus strand). VCF-style: chr2-144398437-A-T. GRCh37 (hg19) VCF-style: chr2-145156004-A-T.
Other names: c.2678T>A, p.Ile893Asn (NM_001171653.2); short protein forms I893N, I917N.
Identifiers: ClinVar variation 1522393 (VCV001522393.8), dbSNP rs1444247282, ClinGen allele CA348707130.

ClinVar aggregate classification (germline): Uncertain significance (1 of 4 stars; one submission).

Conditions:
Mowat-Wilson syndrome (MOWS). Also called: Classic Mowat-Wilson Syndrome. Identifiers: Orphanet 2152, MedGen C1856113, MONDO:0009341, OMIM 235730.

Allele frequency attached by ClinVar (database versions not stated): TOPMed 0.00001.
gnomAD v4.1: 1 of 1,614,100 alleles (0.000062%); highest among the groups gnomAD compares: African/African-American, 0.0013%; no homozygotes.

Submission:

Labcorp Genetics (formerly Invitae), Labcorp
Classification: Uncertain significance for Mowat-Wilson syndrome. Last evaluated: 2022-02-05. Review status: criteria provided, single submitter. Criteria: Invitae Variant Classification Sherloc (09022015). Collection method: clinical testing. Allele origin: germline.
Comment: In summary, the available evidence is currently insufficient to determine the role of this variant in disease. Therefore, it has been classified as a Variant of Uncertain Significance. Algorithms developed to predict the effect of missense changes on protein structure and function are either unavailable or do not agree on the potential impact of this missense change (SIFT: "Deleterious"; PolyPhen-2: "Possibly Damaging"; Align-GVGD: "Class C0"). This variant has not been reported in the literature in individuals affected with ZEB2-related conditions. This variant is present in population databases (no rsID available, gnomAD 0.007%). This sequence change replaces isoleucine, which is neutral and non-polar, with asparagine, which is neutral and polar, at codon 917 of the ZEB2 protein (p.Ile917Asn).